The following is an entry in ClinVar:

ClinVar aggregate classification (germline): Likely benign. Review status: criteria provided, multiple submitters, no conflicts (2 of 4 stars). 3 submissions from 3 submitters: Likely benign (3). Last evaluated 2024-01-10.

Conditions:
Hereditary cancer-predisposing syndrome. Also called: Hereditary Cancer Syndrome; Hereditary neoplastic syndrome; Neoplastic Syndromes, Hereditary; Tumor predisposition. Identifiers: Orphanet 140162, MedGen C0027672, MeSH D009386, MONDO:0015356.

Allele frequency attached by ClinVar (database versions not stated): gnomAD 0.00001.
gnomAD v4.1: 6 of 1,613,436 alleles (0.00037%); highest among the groups gnomAD compares: Non-Finnish European, 0.00051%; no homozygotes.

Submissions (3):

Labcorp Genetics (formerly Invitae), Labcorp
Classification: Likely benign. Last evaluated: 2024-01-10. Review status: criteria provided, single submitter. Criteria: Invitae Variant Classification Sherloc (09022015). Collection method: clinical testing. Allele origin: germline.

Ambry Genetics
Classification: Likely benign for Hereditary cancer-predisposing syndrome. Last evaluated: 2019-03-29. Review status: criteria provided, single submitter. Criteria: Ambry Variant Classification Scheme 2023. Collection method: clinical testing. Allele origin: germline.

GeneDx
Classification: Likely benign. Last evaluated: 2016-04-11. Review status: criteria provided, single submitter. Criteria: GeneDx Variant Classification (06012015). Collection method: clinical testing. Allele origin: germline. Affected: yes.
Comment: This variant is considered likely benign or benign based on one or more of the following criteria: it is a conservative change, it occurs at a poorly conserved position in the protein, it is predicted to be benign by multiple in silico algorithms, and/or has population frequency not consistent with disease.

NM_006231.4(POLE):c.4863C>G (p.Val1621=)

Gene: POLE (DNA polymerase epsilon, catalytic subunit; minus strand). Cytogenetic location: 12q24.33.
Variant type: single nucleotide variant.
Coding change: c.4863C>G on transcript NM_006231.4 (MANE Select); coding-DNA position 4863, C replaced by G.
Protein change: p.Val1621=; no amino-acid change (valine 1621 retained).
Molecular consequence: synonymous variant.
Genome position (GRCh38, 1-based): chr12:132,642,595, G>C on the plus strand (C>G on the coding strand, the complement: POLE is on the minus strand). VCF-style: chr12-132642595-G-C. GRCh37 (hg19) VCF-style: chr12-133219181-G-C.
Identifiers: ClinVar variation 385454 (VCV000385454.12), dbSNP rs1057522227, ClinGen allele CA16606508.